The following is an entry in ClinVar:

ClinVar aggregate classification (germline): Uncertain significance. Review status: criteria provided, multiple submitters, no conflicts (2 of 4 stars). 4 submissions from 4 submitters: Uncertain significance (4). Last evaluated 2025-04-09.

Conditions:
Cardiovascular phenotype. Identifiers: MedGen CN230736.
Dilated cardiomyopathy 1W (CMD1W). Identifiers: Orphanet 154, MedGen C1969639, MONDO:0012667, OMIM 611407.

Allele frequency attached by ClinVar (database versions not stated): ExAC 0.00001; gnomAD 0.00001; gnomAD exomes 0.00001; TOPMed 0.00001.
gnomAD v4.1: 13 of 1,612,524 alleles (0.00081%); highest among the groups gnomAD compares: Non-Finnish European, 0.00076%; no homozygotes.

Submissions (4):

Molecular Diagnostic Laboratory for Inherited Cardiovascular Disease, Montreal Heart Institute
Classification: Uncertain significance for Cardiovascular phenotype. Last evaluated: 2025-04-09. Review status: criteria provided, single submitter. Criteria: ACMG Guidelines, 2015. Collection method: clinical testing. Allele origin: germline. Affected: yes.

GeneDx
Classification: Uncertain significance. Last evaluated: 2024-07-16. Review status: criteria provided, single submitter. Criteria: GeneDx Variant Classification Process June 2021. Collection method: clinical testing. Allele origin: germline. Affected: yes.
Comment: Not observed at significant frequency in large population cohorts (gnomAD); In silico analysis supports that this missense variant has a deleterious effect on protein structure/function; Has not been previously published as pathogenic or benign to our knowledge

Labcorp Genetics (formerly Invitae), Labcorp
Classification: Uncertain significance for Dilated cardiomyopathy 1W. Last evaluated: 2023-09-06. Review status: criteria provided, single submitter. Criteria: Invitae Variant Classification Sherloc (09022015). Collection method: clinical testing. Allele origin: germline.
Comment: In summary, the available evidence is currently insufficient to determine the role of this variant in disease. Therefore, it has been classified as a Variant of Uncertain Significance. An algorithm developed to predict the effect of missense changes on protein structure and function (PolyPhen-2) suggests that this variant is likely to be disruptive. ClinVar contains an entry for this variant (Variation ID: 1790591). This variant has not been reported in the literature in individuals affected with VCL-related conditions. This variant is present in population databases (rs759650076, gnomAD 0.0009%). This sequence change replaces valine, which is neutral and non-polar, with alanine, which is neutral and non-polar, at codon 798 of the VCL protein (p.Val798Ala).

Ambry Genetics
Classification: Uncertain significance for Cardiovascular phenotype. Last evaluated: 2023-04-19. Review status: criteria provided, single submitter. Criteria: Ambry Variant Classification Scheme 2023. Collection method: clinical testing. Allele origin: germline.

NM_014000.3(VCL):c.2393T>C (p.Val798Ala)

Gene: VCL (vinculin; plus strand). Cytogenetic location: 10q22.2.
Variant type: single nucleotide variant.
Coding change: c.2393T>C on transcript NM_014000.3 (MANE Select); coding-DNA position 2393, T replaced by C.
Protein change: p.Val798Ala; replaces valine 798 with alanine.
Molecular consequence: missense variant.
Genome position (GRCh38, 1-based): chr10:74,105,312, T>C. VCF-style: chr10-74105312-T-C. GRCh37 (hg19) VCF-style: chr10-75865070-T-C.
Other names: c.2393T>C, p.Val798Ala (NM_003373.4); short protein forms V798A.
Identifiers: ClinVar variation 1790591 (VCV001790591.9), dbSNP rs759650076, ClinGen allele CA5563202.
Genomic context (GRCh38, chr10:74,105,312, plus strand): 5'-AGTTCCGTGAGGCTGTGAAAGCTGCCTCTGATGAATTGAGCAAAACCATCTCCCCGATGG[T>C]GATGGATGCAAAAGCTGTGGCTGGAAACATTTCCGACCCTGGTAAGCAATGCATGGCACT-3'
Protein context (NP_054706.1, residues 788-808): DELSKTISPM[Val798Ala]MDAKAVAGNI